The following is an entry in ClinVar:

NM_001182.5(ALDH7A1):c.1408T>G (p.Trp470Gly)

Gene: ALDH7A1 (aldehyde dehydrogenase 7 family member A1; minus strand). Cytogenetic location: 5q23.2.
Variant type: single nucleotide variant.
Coding change: c.1408T>G on transcript NM_001182.5 (MANE Select); coding-DNA position 1408, T replaced by G.
Protein change: p.Trp470Gly; replaces tryptophan 470 with glycine.
Molecular consequence: missense variant.
Genome position (GRCh38, 1-based): chr5:126,550,203, A>C on the plus strand (T>G on the coding strand, the complement: ALDH7A1 is on the minus strand). VCF-style: chr5-126550203-A-C. GRCh37 (hg19) VCF-style: chr5-125885895-A-C.
Other names: c.1324T>G, p.Trp442Gly (NM_001201377.2); c.1216T>G, p.Trp406Gly (NM_001202404.2); short protein forms W406G, W442G, W470G.
Identifiers: ClinVar variation 2497677 (VCV002497677.3), dbSNP rs2480252596, ClinGen allele CA360721368.

ClinVar aggregate classification (germline): Likely pathogenic (1 of 4 stars; one submission).

Conditions:
Pyridoxine-dependent epilepsy (EPEO4). Also called: PYRIDOXINE DEPENDENCY WITH SEIZURES; Pyridoxine-Dependent Seizures; EPILEPSY, EARLY-ONSET, 4, VITAMIN B6-DEPENDENT; Pyridoxine-Dependent Epilepsy - ALDH7A1. Identifiers: Orphanet 3006, MedGen C1849508, MONDO:0009945, OMIM 266100. Disease mechanism: loss of function.

Submission:

Medical Genetic Diagnosis and Therapy Center, Fujian Medical University
Classification: Likely pathogenic for Pyridoxine-dependent epilepsy. Last evaluated: 2025-04-22. Review status: criteria provided, single submitter. Criteria: ACMG Guidelines, 2015. Collection method: clinical testing. Allele origin: maternal. Inheritance: Autosomal recessive inheritance. Affected: yes. Observed: 1 compound heterozygote.
Comment: This variant is classified as likely pathogenic according to the ACMG guidelines (LP: PM2+PM3+PP3+PP4).

Literature cited by the submitters: DOI 10.3389/fnins.2023.1165601.